The following is an entry in ClinVar:

NM_182961.4(SYNE1):c.4499T>A (p.Ile1500Asn)

Gene: SYNE1 (spectrin repeat containing nuclear envelope protein 1; minus strand). Cytogenetic location: 6q25.2.
Variant type: single nucleotide variant.
Coding change: c.4499T>A on transcript NM_182961.4 (MANE Select); coding-DNA position 4499, T replaced by A.
Protein change: p.Ile1500Asn; replaces isoleucine 1500 with asparagine.
Molecular consequence: missense variant.
Genome position (GRCh38, 1-based): chr6:152,430,672, A>T on the plus strand (T>A on the coding strand, the complement: SYNE1 is on the minus strand). VCF-style: chr6-152430672-A-T. GRCh37 (hg19) VCF-style: chr6-152751807-A-T.
Other names: c.4520T>A, p.Ile1507Asn (NM_033071.5); short protein forms I1500N, I1507N.
Identifiers: ClinVar variation 208449 (VCV000208449.5), dbSNP rs746438011, ClinGen allele CA204450.

ClinVar aggregate classification (germline): Uncertain significance. Review status: criteria provided, single submitter (1 of 4 stars). 2 submissions from 2 submitters: Uncertain significance (1). 1 of the submissions does not count toward it. Last evaluated 2020-11-20.

Conditions:
Emery-Dreifuss muscular dystrophy 4, autosomal dominant (EDMD4). Also called: EMERY-DREIFUSS MUSCULAR DYSTROPHY 4 WITH VARIABLE FEATURES. Identifiers: Orphanet 261, MedGen C2751807, MONDO:0013071, OMIM 612998.

Allele frequency attached by ClinVar (database versions not stated): gnomAD exomes below 0.00001 and 0.00001; gnomAD 0.00001; ExAC 0.00002.
gnomAD v4.1: 4 of 1,614,014 alleles (0.00025%); highest among the groups gnomAD compares: South Asian, 0.0022%; no homozygotes.

Submissions (2):

Revvity Omics, Revvity
Classification: Uncertain significance. Last evaluated: 2020-11-20. Review status: criteria provided, single submitter. Criteria: ACMG Guidelines, 2015. Collection method: clinical testing. Allele origin: germline.

Diagnostics Division, CENTRE FOR DNA FINGERPRINTING AND DIAGNOSTICS
Classification: Likely pathogenic for Emery-dreifuss muscular dystrophy 4, autosomal dominant. Last evaluated: 2015-07-01. Review status: no assertion criteria provided. Collection method: research. Allele origin: unknown. Affected: yes. Observed: 1 heterozygote. Not counted in ClinVar's aggregate classification.
Comment: Nonsynonymous mutation